The following is an entry in ClinVar:

ClinVar aggregate classification (germline): Uncertain significance (1 of 4 stars; one submission).

Submission:

GeneDx
Classification: Uncertain significance. Last evaluated: 2023-03-15. Review status: criteria provided, single submitter. Criteria: GeneDx Variant Classification Process June 2021. Collection method: clinical testing. Allele origin: germline.
Comment: Not observed at significant frequency in large population cohorts (gnomAD); Nonsense variant predicted to result in protein truncation or nonsense mediated decay in a gene or region of a gene for which loss of function is not a well-established mechanism of disease; Has not been previously published as pathogenic or benign to our knowledge; Variants in candidate genes are classified as variants of uncertain significance in accordance with ACMG guidelines (Richards et al., 2015)

NM_014709.4(USP34):c.5108T>G (p.Leu1703Ter)

Gene: USP34 (ubiquitin specific peptidase 34; minus strand). Cytogenetic location: 2p15.
Variant type: single nucleotide variant.
Coding change: c.5108T>G on transcript NM_014709.4 (MANE Select); coding-DNA position 5108, T replaced by G.
Protein change: p.Leu1703Ter; replaces leucine 1703 with a stop codon.
Molecular consequence: nonsense.
Genome position (GRCh38, 1-based): chr2:61,281,133, A>C on the plus strand (T>G on the coding strand, the complement: USP34 is on the minus strand). VCF-style: chr2-61281133-A-C. GRCh37 (hg19) VCF-style: chr2-61508268-A-C.
Other names: short protein forms L1703*.
Identifiers: ClinVar variation 4891343 (VCV004891343.1).